The following is an entry in ClinVar:

NM_017654.4(SAMD9):c.4384A>T (p.Asn1462Tyr)

Gene: SAMD9 (sterile alpha motif domain containing 9; minus strand). Cytogenetic location: 7q21.2.
Variant type: single nucleotide variant.
Coding change: c.4384A>T on transcript NM_017654.4 (MANE Select); coding-DNA position 4384, A replaced by T.
Protein change: p.Asn1462Tyr; replaces asparagine 1462 with tyrosine.
Molecular consequence: missense variant.
Genome position (GRCh38, 1-based): chr7:93,101,714, T>A on the plus strand (A>T on the coding strand, the complement: SAMD9 is on the minus strand). VCF-style: chr7-93101714-T-A. GRCh37 (hg19) VCF-style: chr7-92731027-T-A.
Other names: c.4384A>T (NM_017654.3); c.4384A>T, p.Asn1462Tyr (NM_001193307.2); short protein forms N1462Y.
Identifiers: ClinVar variation 3621850 (VCV003621850.3).

ClinVar aggregate classification (germline): Uncertain significance. Review status: criteria provided, multiple submitters, no conflicts (2 of 4 stars). 2 submissions from 2 submitters: Uncertain significance (2). Last evaluated 2025-08-07.

Conditions:
Inborn genetic diseases. Identifiers: MedGen C0950123, MeSH D030342.

Submissions (2):

Ambry Genetics
Classification: Uncertain significance for Inborn genetic diseases. Last evaluated: 2025-08-07. Review status: criteria provided, single submitter. Criteria: Ambry Variant Classification Scheme 2023. Collection method: clinical testing. Allele origin: germline.
Comment: The p.N1462Y variant (also known as c.4384A>T), located in coding exon 1 of the SAMD9 gene, results from an A to T substitution at nucleotide position 4384. The asparagine at codon 1462 is replaced by tyrosine, an amino acid with dissimilar properties. This amino acid position is conserved. In addition, this alteration is predicted to be tolerated by in silico analysis. Based on the available evidence, the clinical significance of this variant remains unclear.

Labcorp Genetics (formerly Invitae), Labcorp
Classification: Uncertain significance. Last evaluated: 2025-01-01. Review status: criteria provided, single submitter. Criteria: Invitae Variant Classification Sherloc (09022015). Collection method: clinical testing. Allele origin: germline.
Comment: This sequence change replaces asparagine, which is neutral and polar, with tyrosine, which is neutral and polar, at codon 1462 of the SAMD9 protein (p.Asn1462Tyr). This variant is not present in population databases (gnomAD no frequency). This variant has not been reported in the literature in individuals affected with SAMD9-related conditions. Invitae Evidence Modeling of protein sequence and biophysical properties (such as structural, functional, and spatial information, amino acid conservation, physicochemical variation, residue mobility, and thermodynamic stability) indicates that this missense variant is not expected to disrupt SAMD9 protein function with a negative predictive value of 95%. In summary, the available evidence is currently insufficient to determine the role of this variant in disease. Therefore, it has been classified as a Variant of Uncertain Significance.